The following is an entry in ClinVar:

NM_006939.4(SOS2):c.2604C>T (p.Gly868=)

Gene: SOS2 (SOS Ras/Rho guanine nucleotide exchange factor 2; minus strand). Cytogenetic location: 14q21.3.
Variant type: single nucleotide variant.
Coding change: c.2604C>T on transcript NM_006939.4 (MANE Select); coding-DNA position 2604, C replaced by T.
Protein change: p.Gly868=; no amino-acid change (glycine 868 retained).
Molecular consequence: synonymous variant.
Genome position (GRCh38, 1-based): chr14:50,145,233, G>A on the plus strand (C>T on the coding strand, the complement: SOS2 is on the minus strand). VCF-style: chr14-50145233-G-A. GRCh37 (hg19) VCF-style: chr14-50611951-G-A.
Identifiers: ClinVar variation 475747 (VCV000475747.34), dbSNP rs765945171, ClinGen allele CA7177002.

ClinVar aggregate classification (germline): Benign/Likely benign. Review status: criteria provided, multiple submitters, no conflicts (2 of 4 stars). 7 submissions from 7 submitters: Benign (2); Likely benign (5). Last evaluated 2025-12-03.

Conditions:
Cardiovascular phenotype. Identifiers: MedGen CN230736.
Noonan syndrome and Noonan-related syndrome. Identifiers: Orphanet 98733, MedGen C5681679, MONDO:0020297.
Noonan syndrome 9 (NS9). Identifiers: Orphanet 648, MedGen C4225282, MONDO:0014691, OMIM 616559.

Allele frequency attached by ClinVar (database versions not stated): gnomAD 0.00002 and 0.00003; TOPMed 0.00002; ExAC 0.00003; gnomAD exomes 0.00003 and 0.00004.
gnomAD v4.1: 53 of 1,609,588 alleles (0.0033%); highest among the groups gnomAD compares: Non-Finnish European, 0.0029%; no homozygotes.

Submissions (7):

Labcorp Genetics (formerly Invitae), Labcorp
Classification: Likely benign for Noonan syndrome 9. Last evaluated: 2025-12-03. Review status: criteria provided, single submitter. Criteria: Invitae Variant Classification Sherloc (09022015). Collection method: clinical testing. Allele origin: germline.

Women's Health and Genetics/Laboratory Corporation of America, LabCorp
Classification: Benign. Last evaluated: 2025-03-24. Review status: criteria provided, single submitter. Criteria: LabCorp Variant Classification Summary - May 2015. Collection method: clinical testing. Allele origin: germline.

CeGaT Center for Human Genetics Tuebingen
Classification: Likely benign. Last evaluated: 2024-09-01. Review status: criteria provided, single submitter. Criteria: CeGaT Center For Human Genetics Tuebingen Variant Classification Criteria Version 2. Collection method: clinical testing. Allele origin: germline. Affected: yes. Observed: 1 variant allele.
Comment: SOS2: BP4, BP7

Blueprint Genetics
Classification: Likely benign. Last evaluated: 2024-08-21. Review status: criteria provided, single submitter. Criteria: ACMG Guidelines, 2015. Collection method: clinical testing. Allele origin: germline.

Ambry Genetics
Classification: Likely benign for Cardiovascular phenotype. Last evaluated: 2021-12-07. Review status: criteria provided, single submitter. Criteria: Ambry Variant Classification Scheme 2023. Collection method: clinical testing. Allele origin: germline.

Genome Diagnostics Laboratory, The Hospital for Sick Children
Classification: Benign for Noonan syndrome and Noonan-related syndrome. Last evaluated: 2020-04-01. Review status: criteria provided, single submitter. Criteria: ACMG Guidelines, 2015. Collection method: clinical testing. Allele origin: germline.

Genome-Nilou Lab
Classification: Likely benign for Noonan syndrome 9. Review status: criteria provided, single submitter. Criteria: ACMG Guidelines, 2015. Collection method: clinical testing. Allele origin: germline.